The following is an entry in ClinVar:

NM_006084.5(IRF9):c.649+4C>G

Gene: IRF9 (interferon regulatory factor 9; plus strand). Cytogenetic location: 14q12.
Variant type: single nucleotide variant.
Coding change: c.649+4C>G on transcript NM_006084.5 (MANE Select); 4 bases into the intron after coding-DNA position 649, C replaced by G.
Molecular consequence: intron variant.
Genome position (GRCh38, 1-based): chr14:24,164,138, C>G. VCF-style: chr14-24164138-C-G. GRCh37 (hg19) VCF-style: chr14-24633347-C-G.
Other names: c.649+4C>G (NM_001385400.1, NM_001385401.1, NM_001385402.1).
Identifiers: ClinVar variation 2800807 (VCV002800807.3), dbSNP rs769393072, ClinGen allele CA2624322323.

ClinVar aggregate classification (germline): Uncertain significance (1 of 4 stars; one submission).

gnomAD v4.1: 3 of 1,613,576 alleles (0.00019%); highest among the groups gnomAD compares: Non-Finnish European, 0.00017%; no homozygotes.

Submission:

Labcorp Genetics (formerly Invitae), Labcorp
Classification: Uncertain significance. Last evaluated: 2024-04-19. Review status: criteria provided, single submitter. Criteria: Invitae Variant Classification Sherloc (09022015). Collection method: clinical testing. Allele origin: germline.
Comment: This sequence change falls in intron 6 of the IRF9 gene. It does not directly change the encoded amino acid sequence of the IRF9 protein. It affects a nucleotide within the consensus splice site. This variant is not present in population databases (gnomAD no frequency). This variant has not been reported in the literature in individuals affected with IRF9-related conditions. Variants that disrupt the consensus splice site are a relatively common cause of aberrant splicing (PMID: 17576681, 9536098). Algorithms developed to predict the effect of sequence changes on RNA splicing suggest that this variant is not likely to affect RNA splicing. In summary, the available evidence is currently insufficient to determine the role of this variant in disease. Therefore, it has been classified as a Variant of Uncertain Significance.

Literature cited by the submitters: PubMed 17576681; PubMed 9536098.